The following is an entry in ClinVar:

ClinVar aggregate classification (germline): Likely benign. Review status: criteria provided, multiple submitters, no conflicts (2 of 4 stars). 2 submissions from 2 submitters: Likely benign (2). Last evaluated 2024-08-01.

Conditions:
Familial thoracic aortic aneurysm and aortic dissection (TAAD). Also called: Thoracic aortic aneurysms and dissections. Identifiers: Orphanet 91387, MedGen C4707243, MONDO:0019625.
Aortic aneurysm, familial thoracic 4 (AAT4). Also called: AORTIC ANEURYSM/AORTIC DISSECTION AND PATENT DUCTUS ARTERIOSUS. Identifiers: MedGen C1851504, MONDO:0007568, OMIM 132900.

gnomAD v4.1: 3 of 1,613,994 alleles (0.00019%); highest among the groups gnomAD compares: Non-Finnish European, 0.00025%; no homozygotes.

Submissions (2):

Labcorp Genetics (formerly Invitae), Labcorp
Classification: Likely benign for Aortic aneurysm, familial thoracic 4. Last evaluated: 2024-08-01. Review status: criteria provided, single submitter. Criteria: Invitae Variant Classification Sherloc (09022015). Collection method: clinical testing. Allele origin: germline.

All of Us Research Program, National Institutes of Health
Classification: Likely benign for Familial thoracic aortic aneurysm and aortic dissection. Last evaluated: 2023-11-20. Review status: criteria provided, single submitter. Criteria: ACMG Guidelines, 2015. Collection method: clinical testing. Allele origin: germline. Inheritance: Autosomal dominant inheritance. Observed: 1 variant allele, 1 heterozygote.
Comment: This study involves interpretation of variants in research participants for the purpose of population health screening. Participant phenotype was not available at the time of variant classification. Additional details can be found in publication PMID: 35346344, PMCID: PMC8962531

NM_002474.3(MYH11):c.5682G>A (p.Gln1894=)

Genes: MYH11 (myosin heavy chain 11; minus strand), NDE1 (nudE neurodevelopment protein 1; plus strand). Cytogenetic location: 16p13.11.
Variant type: single nucleotide variant.
Coding change: c.5682G>A on transcript NM_002474.3 (MANE Select); coding-DNA position 5682, G replaced by A.
Protein change: p.Gln1894=; no amino-acid change (glutamine 1894 retained).
Molecular consequence: synonymous variant. On other transcripts: intron variant (2).
Genome position (GRCh38, 1-based): chr16:15,715,013, C>T on the plus strand (G>A on the coding strand, the complement: MYH11 is on the minus strand). VCF-style: chr16-15715013-C-T. GRCh37 (hg19) VCF-style: chr16-15808870-C-T.
Other names: c.5703G>A, p.Gln1901= (NM_001040113.2, NM_001040114.2); c.5682G>A, p.Gln1894= (NM_022844.3); c.948-9178C>T (NM_001143979.2, NM_017668.3).
Identifiers: ClinVar variation 1618720 (VCV001618720.9), dbSNP rs2151192089, ClinGen allele CA493746354.